The following is an entry in ClinVar:

ClinVar aggregate classification (germline): Conflicting classifications of pathogenicity. Review status: criteria provided, conflicting classifications (1 of 4 stars). 7 submissions from 7 submitters: Likely pathogenic (5); Uncertain significance (2). Last evaluated 2026-06-01.

Conditions:
Polycystic kidney disease, adult type (PKD1). Also called: Polycystic Kidney, Autosomal Dominant; POLYCYSTIC KIDNEY DISEASE, ADULT, TYPE I; Polycystic Kidney Disease 1, Autosomal Dominant; Polycystic kidney disease 1; Polycystic kidney disease 1, severe; POLYCYSTIC KIDNEY DISEASE 1 WITH OR WITHOUT POLYCYSTIC LIVER DISEASE. Identifiers: MedGen C3149841, MONDO:0008263, OMIM 173900.
Autosomal dominant polycystic kidney disease. Identifiers: Orphanet 730, MedGen C0085413, MONDO:0004691.
PKD1-related disorder. Also called: PKD1-related condition.
Polycystic kidney disease. Also called: Kidney, Polycystic; Polycystic kidney dysplasia. Identifiers: MedGen C0022680, MeSH D007690, MONDO:0020642, HP:0000113.

Allele frequency attached by ClinVar (database versions not stated): gnomAD exomes below 0.00001 and 0.00001; TOPMed below 0.00001; gnomAD 0.00001.

Submissions (7):

CeGaT Center for Human Genetics Tuebingen
Classification: Likely pathogenic. Last evaluated: 2026-06-01. Review status: criteria provided, single submitter. Criteria: CeGaT Center For Human Genetics Tuebingen Variant Classification Criteria Version 2. Collection method: clinical testing. Allele origin: germline. Affected: yes. Observed: 2 variant alleles.
Comment: PKD1: PP1:Strong, PM2, PS4:Moderate

Victorian Clinical Genetics Services, Murdoch Childrens Research Institute
Classification: Likely pathogenic for Polycystic kidney disease, adult type. Last evaluated: 2026-02-16. Review status: criteria provided, single submitter. Criteria: ACMG Guidelines, 2015. Collection method: clinical testing. Allele origin: germline. Affected: yes.
Comment: This variant is classified as Likely pathogenic. Evidence in support of pathogenic classification: Variant is present in gnomAD <0.001 for a dominant condition (v4: 5 heterozygote(s), 0 homozygote(s)); This variant has strong previous evidence of pathogenicity in unrelated individuals. This variant has been classified as likely pathogenic and as a VUS by clinical laboratories in ClinVar. It has also been reported in at least three unrelated individuals with polycystic kidney disease (PMIDs: 23300259, 31740684, 37419908); This variant has limited evidence for segregation with disease. This variant has been shown to segregate in a family with multiple individuals affected with autosomal dominant polycystic kidney disease (PMID: 37419908); Missense variant predicted to be damaging by in silico tool(s) or highly conserved with a major amino acid change. Additional information: Variant is predicted to result in a missense amino acid change from Gly to Ser; This variant is heterozygous; This gene is associated with autosomal dominant disease. Polycystic kidney disease 1 (MIM#173900) is predominantly caused by monoallelic variants, with rare reports of biallelic variants causing disease (OMIM). - No published functional evidence has been identified for this variant; Other missense variants comparable to the one identified in this case have inconclusive previous evidence for pathogenicity. p.(Gly960Asp) and p.(Gly960Val) have been classified as VUS by clinical laboratories in ClinVar. p.(Gly960Asp) has been reported in the literature in one individual with autosomal dominant polycystic kidney disease (PMID: 33437033); Variant is located in the annotated PKD domain (DECIPHER); Loss of function is a known mechanism of disease in this gene and is associated with polycystic kidney disease 1 (MIM#173900); Inheritance information for this variant is not currently available in this individual.

PreventionGenetics, part of Exact Sciences
Classification: Likely pathogenic for PKD1-related condition. Last evaluated: 2025-06-03. Review status: criteria provided, single submitter. Criteria: ACMG Guidelines, 2015. Collection method: clinical testing. Allele origin: germline.
Comment: The PKD1 c.2878G>A variant is predicted to result in the amino acid substitution p.Gly960Ser. This variant has been reported in several presumably unrelated individuals with polycystic kidney disease (Neumann et al. 2013. PubMed ID: 23300259; Table S6C, Kim et al. 2019. PubMed ID: 31740684; Durkie et al. 2020. PubMed ID: 33168999; Hort et al. 2023. PubMed ID: 37419908). In Hort et al. study, this variant was co-segregated with disease in a family with six affected and unaffected family members. The REVEL (rare exome variant ensemble learner) program predicts this variant is pathogenic at a "moderate" level (Ioannidis et al. 2016. PubMed ID: 27666373; Bergquist et al. 2024. PubMed ID: 39345488). This variant is reported in two alleles in a large population database (gnomAD v2.1.1). This variant is interpreted as likely pathogenic.

Molecular Genetics of Inherited Kidney Disorders Laboratory, Garvan Institute of Medical Research
Classification: Likely pathogenic for Autosomal dominant polycystic kidney disease. Last evaluated: 2022-11-20. Review status: criteria provided, single submitter. Criteria: ACMG Guidelines, 2015. Collection method: research. Allele origin: maternal. Affected: yes.

Blueprint Genetics
Classification: Likely pathogenic for PKD1-related disorders. Last evaluated: 2022-03-03. Review status: criteria provided, single submitter. Criteria: ACMG Guidelines, 2015. Collection method: clinical testing. Allele origin: germline. Affected: yes. Observed: 2 variant alleles.

Fulgent Genetics
Classification: Uncertain significance for Polycystic kidney disease, adult type. Last evaluated: 2021-12-24. Review status: criteria provided, single submitter. Criteria: ACMG Guidelines, 2015. Collection method: clinical testing. Allele origin: unknown.

Cavalleri Lab, Royal College of Surgeons in Ireland
Classification: Uncertain significance for Polycystic kidney disease. Last evaluated: 2020-12-14. Review status: criteria provided, single submitter. Criteria: ACMG Guidelines, 2015. Collection method: research. Allele origin: unknown. Inheritance: Autosomal dominant inheritance. Affected: yes.

Literature cited by the submitters: PubMed 37419908 (cited by Victorian Clinical Genetics Services, Murdoch Childrens Research Institute); PubMed 23300259 (cited by Victorian Clinical Genetics Services, Murdoch Childrens Research Institute); PubMed 33437033 (cited by Victorian Clinical Genetics Services, Murdoch Childrens Research Institute); PubMed 31740684 (cited by Victorian Clinical Genetics Services, Murdoch Childrens Research Institute).

NM_001009944.3(PKD1):c.2878G>A (p.Gly960Ser)

Gene: PKD1 (polycystin 1, transient receptor potential channel interacting; minus strand). Cytogenetic location: 16p13.3.
Variant type: single nucleotide variant.
Coding change: c.2878G>A on transcript NM_001009944.3 (MANE Select); coding-DNA position 2878, G replaced by A.
Protein change: p.Gly960Ser; replaces glycine 960 with serine.
Molecular consequence: missense variant.
Genome position (GRCh38, 1-based): chr16:2,113,268, C>T on the plus strand (G>A on the coding strand, the complement: PKD1 is on the minus strand). VCF-style: chr16-2113268-C-T. GRCh37 (hg19) VCF-style: chr16-2163269-C-T.
Other names: c.2878G>A (NM_001009944.2); c.2878G>A, p.Gly960Ser (NM_000296.4); short protein forms G960S.
Identifiers: ClinVar variation 988772 (VCV000988772.37), dbSNP rs1163700577, ClinGen allele CA394385768.